The following is an entry in ClinVar:

NM_001365951.3(KIF1B):c.4621A>G (p.Thr1541Ala)

Gene: KIF1B (kinesin family member 1B; plus strand). Cytogenetic location: 1p36.22.
Variant type: single nucleotide variant.
Coding change: c.4621A>G on transcript NM_001365951.3 (MANE Select); coding-DNA position 4621, A replaced by G.
Protein change: p.Thr1541Ala; replaces threonine 1541 with alanine.
Molecular consequence: missense variant.
Genome position (GRCh38, 1-based): chr1:10,365,517, A>G. VCF-style: chr1-10365517-A-G. GRCh37 (hg19) VCF-style: chr1-10425575-A-G.
Other names: c.4621A>G, p.Thr1541Ala (NM_001365952.1); c.4483A>G, p.Thr1495Ala (NM_015074.3); short protein forms T1495A, T1541A.
Identifiers: ClinVar variation 3226501 (VCV003226501.1), dbSNP rs2521915116, ClinGen allele CA338322060.

ClinVar aggregate classification (germline): Uncertain significance (1 of 4 stars; one submission).

Submission:

Ambry Genetics
Classification: Uncertain significance. Last evaluated: 2023-11-13. Review status: criteria provided, single submitter. Criteria: Ambry Variant Classification Scheme 2023. Collection method: clinical testing. Allele origin: germline.
Comment: The p.T1495A variant (also known as c.4483A>G), located in coding exon 40 of the KIF1B gene, results from an A to G substitution at nucleotide position 4483. The threonine at codon 1495 is replaced by alanine, an amino acid with similar properties. This amino acid position is conserved. In addition, this alteration is predicted to be tolerated by in silico analysis. Since supporting evidence is limited at this time, the clinical significance of this alteration remains unclear.